The following is an entry in ClinVar:

ClinVar aggregate classification (germline): Pathogenic (1 of 4 stars; one submission).

Submission:

ISCA site 4
Classification: Pathogenic. Last evaluated: 2011-08-12. Review status: criteria provided, single submitter. Criteria: Kaminsky et al. (Genet Med. 2011). Collection method: clinical testing. Allele origin: unknown. Affected: yes. Observed: 1 variant allele.
Comment: Copy number variation identified through the course of routine clinical cytogenomic testing in postnatal populations. Clinical assertions have been curated as described in Kaminsky et al. 2011.

GRCh38/hg38 Xq21.1-21.31(chrX:79372269-91308122)x1

Genes: APOOL (apolipoprotein O like; plus strand), BRWD3 (bromodomain and WD repeat domain containing 3; minus strand), CHM (CHM Rab escort protein; minus strand), CPXCR1 (CPX chromosome region candidate 1; plus strand), CYLC1 (cylicin 1; plus strand) and 38 more. Cytogenetic location: Xq21.1-21.31.
Variant type: copy number loss.
Change: copy number 1 of chrX:79,372,269-91,308,122 (11.94 Mb, GRCh38 coordinates, 1-based), cytogenetic band Xq21.1-21.31.
Identifiers: ClinVar variation 57134 (VCV000057134.1).